The following is an entry in ClinVar:

ClinVar aggregate classification (germline): Pathogenic. Review status: criteria provided, single submitter (1 of 4 stars). 2 submissions from 2 submitters: Pathogenic (1). 1 of the submissions does not count toward it. Last evaluated 2025-12-19.

Conditions:
Neurofibromatosis, type 1 (NF1). Also called: Peripheral type neurofibromatosis; Neurofibromatosis, type I; VON RECKLINGHAUSEN DISEASE; NEUROFIBROMATOSIS, TYPE I, SOMATIC. Identifiers: Orphanet 636, MedGen C0027831, MONDO:0018975, OMIM 162200. Disease mechanism: loss of function.

Submissions (2):

Labcorp Genetics (formerly Invitae), Labcorp
Classification: Pathogenic for Neurofibromatosis, type 1. Last evaluated: 2025-12-19. Review status: criteria provided, single submitter. Criteria: Invitae Variant Classification Sherloc (09022015). Collection method: clinical testing. Allele origin: germline.
Comment: This sequence change creates a premature translational stop signal (p.Glu572Glyfs*3) in the NF1 gene. It is expected to result in an absent or disrupted protein product. Loss-of-function variants in NF1 are known to be pathogenic (PMID: 10712197, 23913538). This variant is not present in population databases (gnomAD no frequency). This variant has not been reported in the literature in individuals affected with NF1-related conditions. ClinVar contains an entry for this variant (Variation ID: 1048677). Algorithms developed to predict the effect of sequence changes on RNA splicing suggest that this variant may disrupt the consensus splice site. For these reasons, this variant has been classified as Pathogenic.

Laboratory of Medical Genetics, National & Kapodistrian University of Athens
Classification: Pathogenic for Neurofibromatosis, type 1. Last evaluated: 2020-01-01. Review status: no assertion criteria provided. Collection method: clinical testing. Allele origin: germline. Affected: yes. Not counted in ClinVar's aggregate classification.

Literature cited by the submitters: PubMed 10712197 (cited by Labcorp Genetics (formerly Invitae), Labcorp); PubMed 23913538 (cited by Labcorp Genetics (formerly Invitae), Labcorp).

NM_001042492.3(NF1):c.1714dup (p.Glu572fs)

Gene: NF1 (neurofibromin 1; plus strand). Cytogenetic location: 17q11.2.
Variant type: Duplication.
Coding change: c.1714dup on transcript NM_001042492.3 (MANE Select); coding-DNA position 1714, one base duplicated (G; older notation c.1714dupG).
Protein change: p.Glu572fs; shifts the reading frame from glutamic acid 572.
Molecular consequence: frameshift variant.
Genome position (GRCh38, 1-based): chr17:31,221,922, G duplicated; the last of 3 consecutive G bases (chr17:31,221,920-31,221,922); duplicating any one gives the same sequence. VCF-style (leftmost placement, unchanged base first): chr17-31221919-T-TG. GRCh37 (hg19) VCF-style: chr17-29548937-T-TG.
Other names: c.1714dup, p.Glu572Glyfs (NM_000267.4); c.1714dup, p.Glu572fs (NM_001128147.3); c.1714dupG (NM_001042492.3); short protein forms E572fs.
Identifiers: ClinVar variation 1048677 (VCV001048677.2), dbSNP rs876660135, ClinGen allele CA2499224006.